The following is an entry in ClinVar:

ClinVar aggregate classification (germline): Uncertain significance (1 of 4 stars; one submission).

Conditions:
PLXNA1-related disorder. Also called: PLXNA1-related condition.

gnomAD v4.1: 11 of 1,613,116 alleles (0.00068%); highest among the groups gnomAD compares: Middle Eastern, 0.016%; no homozygotes.

Submission:

PreventionGenetics, part of Exact Sciences
Classification: Uncertain significance for PLXNA1-related condition. Last evaluated: 2025-08-18. Review status: criteria provided, single submitter. Criteria: ACMG Guidelines, 2015. Collection method: clinical testing. Allele origin: germline.
Comment: The PLXNA1 c.961G>A variant is predicted to result in the amino acid substitution p.Gly321Ser. To our knowledge, this variant has not been reported in the literature. This variant is reported in 0.0065% of alleles in individuals of South Asian descent in gnomAD. At this time, the clinical significance of this variant is uncertain due to the absence of conclusive functional and genetic evidence.

NM_032242.4(PLXNA1):c.961G>A (p.Gly321Ser)

Gene: PLXNA1 (plexin A1; plus strand). Cytogenetic location: 3q21.3.
Variant type: single nucleotide variant.
Coding change: c.961G>A on transcript NM_032242.4 (MANE Select); coding-DNA position 961, G replaced by A.
Protein change: p.Gly321Ser; replaces glycine 321 with serine.
Molecular consequence: missense variant.
Genome position (GRCh38, 1-based): chr3:126,989,554, G>A. VCF-style: chr3-126989554-G-A. GRCh37 (hg19) VCF-style: chr3-126708397-G-A.
Other names: short protein forms G321S.
Identifiers: ClinVar variation 4987697 (VCV004987697.1).